The following is an entry in ClinVar:

ClinVar aggregate classification (germline): Uncertain significance (1 of 4 stars; one submission).

Allele frequency attached by ClinVar (database versions not stated): gnomAD exomes below 0.00001; ExAC 0.00001.

Submission:

Labcorp Genetics (formerly Invitae), Labcorp
Classification: Uncertain significance. Last evaluated: 2023-11-18. Review status: criteria provided, single submitter. Criteria: Invitae Variant Classification Sherloc (09022015). Collection method: clinical testing. Allele origin: germline.
Comment: This sequence change replaces methionine, which is neutral and non-polar, with valine, which is neutral and non-polar, at codon 1022 of the SAMD9 protein (p.Met1022Val). This variant is present in population databases (rs755868139, gnomAD 0.0009%). This variant has not been reported in the literature in individuals affected with SAMD9-related conditions. Advanced modeling of protein sequence and biophysical properties (such as structural, functional, and spatial information, amino acid conservation, physicochemical variation, residue mobility, and thermodynamic stability) performed at Invitae indicates that this missense variant is not expected to disrupt SAMD9 protein function with a negative predictive value of 95%. In summary, the available evidence is currently insufficient to determine the role of this variant in disease. Therefore, it has been classified as a Variant of Uncertain Significance.

NM_017654.4(SAMD9):c.3064A>G (p.Met1022Val)

Gene: SAMD9 (sterile alpha motif domain containing 9; minus strand). Cytogenetic location: 7q21.2.
Variant type: single nucleotide variant.
Coding change: c.3064A>G on transcript NM_017654.4 (MANE Select); coding-DNA position 3064, A replaced by G.
Protein change: p.Met1022Val; replaces methionine 1022 with valine.
Molecular consequence: missense variant.
Genome position (GRCh38, 1-based): chr7:93,103,034, T>C on the plus strand (A>G on the coding strand, the complement: SAMD9 is on the minus strand). VCF-style: chr7-93103034-T-C. GRCh37 (hg19) VCF-style: chr7-92732347-T-C.
Other names: c.3064A>G, p.Met1022Val (NM_001193307.2); short protein forms M1022V.
Identifiers: ClinVar variation 3009280 (VCV003009280.3), dbSNP rs755868139, ClinGen allele CA4342756.